The following is an entry in ClinVar:

ClinVar aggregate classification (germline): Conflicting classifications of pathogenicity. Review status: criteria provided, conflicting classifications (1 of 4 stars). 7 submissions from 7 submitters: Uncertain significance (1); Benign (1); Likely benign (3). 2 of the submissions do not count toward it. Last evaluated 2026-02-03.

Conditions:
Angioedema, hereditary, 4. Identifiers: MedGen C5543503, MONDO:0025712, OMIM 619360.
Plasminogen deficiency, type I. Also called: Hypoplasminogenemia; Type 1 plasminogen deficiency. Identifiers: Orphanet 722, MedGen C1968804, MONDO:0009009, OMIM 217090.
PLG-related disorder. Also called: PLG-related condition.
Otitis media, susceptibility to (OMS). Also called: OTITIS MEDIA, CHRONIC/RECURRENT; COME/ROM. Identifiers: MedGen C1833692, MONDO:0008162, OMIM 166760.

Allele frequency attached by ClinVar (database versions not stated): 1000 Genomes Project 0.00080; 1000 Genomes Project 30x 0.00094; TOPMed 0.00214; gnomAD 0.00250 and 0.00273; ESP Exome Variant Server 0.00284; ExAC 0.00311.
gnomAD v4.1: 4,816 of 1,567,044 alleles (0.31%); highest among the groups gnomAD compares: Non-Finnish European, 0.37%; 12 homozygotes.

Submissions (7):

Labcorp Genetics (formerly Invitae), Labcorp
Classification: Benign. Last evaluated: 2026-02-03. Review status: criteria provided, single submitter. Criteria: Invitae Variant Classification Sherloc (09022015). Collection method: clinical testing. Allele origin: germline.

Mayo Clinic Laboratories, Mayo Clinic
Classification: Likely benign. Last evaluated: 2025-08-18. Review status: criteria provided, single submitter. Criteria: ACMG Guidelines, 2015. Collection method: clinical testing. Allele origin: germline. Observed: 10 variant alleles.
Comment: BS1, BS2

Blueprint Genetics
Classification: Likely benign. Last evaluated: 2024-11-26. Review status: criteria provided, single submitter. Criteria: ACMG Guidelines, 2015. Collection method: clinical testing. Allele origin: germline.

Department of Pathology and Laboratory Medicine, Sinai Health System
Classification: Uncertain significance for Plasminogen deficiency, type I; Angioedema, hereditary, 4. Last evaluated: 2023-05-03. Review status: criteria provided, single submitter. Criteria: ACMG Guidelines, 2015. Collection method: research. Allele origin: germline.

CeGaT Center for Human Genetics Tuebingen
Classification: Likely benign. Last evaluated: 2022-06-01. Review status: criteria provided, single submitter. Criteria: CeGaT Center For Human Genetics Tuebingen Variant Classification Criteria Version 2. Collection method: clinical testing. Allele origin: germline. Affected: yes. Observed: 1 variant allele.
Comment: PLG: BP4

PreventionGenetics, part of Exact Sciences
Classification: Likely benign for PLG-related condition. Last evaluated: 2020-08-04. Review status: no assertion criteria provided. Collection method: clinical testing. Allele origin: germline. Not counted in ClinVar's aggregate classification.
Comment: This variant is classified as likely benign based on ACMG/AMP sequence variant interpretation guidelines (Richards et al. 2015 PMID: 25741868, with internal and published modifications).

Santos-Cortez Lab, University of Colorado School of Medicine
Classification: Uncertain significance for Otitis media, susceptibility to. Last evaluated: 2019-07-26. Review status: no assertion criteria provided. Collection method: research. Allele origin: germline. Affected: yes. Not counted in ClinVar's aggregate classification.

Literature cited by the submitters: PubMed 35369010 (cited by Mayo Clinic Laboratories, Mayo Clinic); PubMed 37466676 (cited by Mayo Clinic Laboratories, Mayo Clinic); PubMed 37744338 (cited by Mayo Clinic Laboratories, Mayo Clinic).

NM_000301.5(PLG):c.782G>A (p.Arg261His)

Gene: PLG (plasminogen; plus strand). Cytogenetic location: 6q26.
Variant type: single nucleotide variant.
Coding change: c.782G>A on transcript NM_000301.5 (MANE Select); coding-DNA position 782, G replaced by A.
Protein change: p.Arg261His; replaces arginine 261 with histidine.
Molecular consequence: missense variant.
Genome position (GRCh38, 1-based): chr6:160,716,758, G>A. VCF-style: chr6-160716758-G-A. GRCh37 (hg19) VCF-style: chr6-161137790-G-A.
Other names: short protein forms R261H.
Identifiers: ClinVar variation 692201 (VCV000692201.47), dbSNP rs4252187, ClinGen allele CA4087567.
Genomic context (GRCh38, chr6:160,716,758, plus strand): 5'-TGCGGCCTTGGTGTTTCACCACCGACCCCAACAAGCGCTGGGAACTTTGTGACATCCCCC[G>A]CTGCAGTGAGTATGATGCACACCCAGATTCCAGGATTTGGACCTGCCCTGTTCTTGAAAT-3'
Protein context (NP_000292.1, residues 251-271): NKRWELCDIP[Arg261His]CTTPPPSSGP